The following is an entry in ClinVar:

NM_001365276.2(TNXB):c.10405T>A (p.Trp3469Arg)

Gene: TNXB (tenascin XB; minus strand). Cytogenetic location: 6p21.33.
Variant type: single nucleotide variant.
Coding change: c.10405T>A on transcript NM_001365276.2 (MANE Select); coding-DNA position 10405, T replaced by A.
Protein change: p.Trp3469Arg; replaces tryptophan 3469 with arginine.
Molecular consequence: missense variant.
Genome position (GRCh38, 1-based): chr6:32,046,376, A>T on the plus strand (T>A on the coding strand, the complement: TNXB is on the minus strand). VCF-style: chr6-32046376-A-T. GRCh37 (hg19) VCF-style: chr6-32014153-A-T.
Other names: c.10399T>A, p.Trp3467Arg (NM_019105.8); short protein forms W3467R, W3469R.
Identifiers: ClinVar variation 2565769 (VCV002565769.3), dbSNP rs889563138, ClinGen allele CA136898177.
Genomic context (GRCh38, chr6:32,046,376, plus strand): 5'-GCCCGTCCGTGTCCCTGTACTGGACCACGAAGGAGTCAAAGGGGCCCTGGGCTACCGTCC[A>T]GGACAGGCGCAGAGAGCTGGAGGTCTCCTCAGCCACGGTCAGTTCCCCCAGGTGGGGAGG-3'
Protein context (NP_001352205.1, residues 3459-3479): EETSSSLRLS[Trp3469Arg]TVAQGPFDSF

ClinVar aggregate classification (germline): Uncertain significance. Review status: criteria provided, multiple submitters, no conflicts (2 of 4 stars). 2 submissions from 2 submitters: Uncertain significance (2). Last evaluated 2024-07-15.

Conditions:
Cardiovascular phenotype. Identifiers: MedGen CN230736.

Allele frequency attached by ClinVar (database versions not stated): gnomAD exomes 0.00002.
gnomAD v4.1: 22 of 1,598,970 alleles (0.0014%); highest among the groups gnomAD compares: Non-Finnish European, 0.0019%; no homozygotes.

Submissions (2):

GeneDx
Classification: Uncertain significance. Last evaluated: 2024-07-15. Review status: criteria provided, single submitter. Criteria: GeneDx Variant Classification Process June 2021. Collection method: clinical testing. Allele origin: germline. Affected: yes.
Comment: Has not been previously published as pathogenic or benign to our knowledge; Not observed at significant frequency in large population cohorts (gnomAD); In silico analysis supports that this missense variant has a deleterious effect on protein structure/function

Ambry Genetics
Classification: Uncertain significance for Cardiovascular phenotype. Last evaluated: 2023-06-11. Review status: criteria provided, single submitter. Criteria: Ambry Variant Classification Scheme 2023. Collection method: clinical testing. Allele origin: germline.
Comment: The p.W3467R variant (also known as c.10399T>A), located in coding exon 30 of the TNXB gene, results from a T to A substitution at nucleotide position 10399. The tryptophan at codon 3467 is replaced by arginine, an amino acid with dissimilar properties. This amino acid position is conserved. In addition, this alteration is predicted to be deleterious by in silico analysis. Since supporting evidence is limited at this time, the clinical significance of this alteration remains unclear.